The following is an entry in ClinVar:

ClinVar aggregate classification (germline): Pathogenic/Likely pathogenic. Review status: criteria provided, multiple submitters, no conflicts (2 of 4 stars). 3 submissions from 3 submitters: Pathogenic (2); Likely pathogenic (1). Last evaluated 2025-10-15.

Conditions:
Autosomal recessive limb-girdle muscular dystrophy type 2B (LGMDR2). Also called: Limb-girdle muscular dystrophy, type 2B; Limb-Girdle Muscular Dystrophy Type 2B (LGMD2B); MUSCULAR DYSTROPHY, LIMB-GIRDLE, AUTOSOMAL RECESSIVE 2; MUSCULAR DYSTROPHY, LIMB-GIRDLE, TYPE 3. Identifiers: Orphanet 268, MedGen C1850889, MONDO:0009676, OMIM 253601.
Abnormality of the musculature. Identifiers: MedGen C4021745, HP:0003011.

Submissions (3):

Women's Health and Genetics/Laboratory Corporation of America, LabCorp
Classification: Pathogenic for Autosomal recessive limb-girdle muscular dystrophy type 2B. Last evaluated: 2025-10-15. Review status: criteria provided, single submitter. Criteria: LabCorp Variant Classification Summary - May 2015. Collection method: clinical testing. Allele origin: germline.
Comment: Variant summary: DYSF c.6119G>A (p.Trp2040X) results in a premature termination codon, predicted to cause a truncation of the encoded protein or absence of the protein due to nonsense mediated decay, which are commonly known mechanisms for disease. The variant was absent in 251484 control chromosomes. c.6119G>A has been observed in individual(s) affected with Muscular dystrophy, limb-girdle (example: Charnay_2021). The following publication has been ascertained in the context of this evaluation (PMID: 33927379). ClinVar contains an entry for this variant (Variation ID: 1180715). Based on the evidence outlined above, the variant was classified as pathogenic.

Natera, Inc.
Classification: Pathogenic for Limb-girdle muscular dystrophy type 2B. Last evaluated: 2025-08-14. Review status: criteria provided, single submitter. Criteria: Natera Variant Classification Schema (03/2026). Collection method: clinical testing. Allele origin: germline.
Comment: The c.6119G>A variant in DYSF is a nonsense variant predicted to introduce a stop codon at amino acid 2040. This variant is expected to result in nonsense mediated decay, truncation, or a dysfunctional protein product. This variant is rare in the general population with a frequency below the threshold expected for the associated phenotype(s). This variant has been observed in one or more individuals affected with the associated recessive disease, as either homozygous or compound heterozygous with a second variant (PMID: 33927379, 38374194). Given the available evidence, this variant is classified as Pathogenic.

Kariminejad - Najmabadi Pathology & Genetics Center
Classification: Likely pathogenic for Abnormality of the musculature. Last evaluated: 2021-07-10. Review status: criteria provided, single submitter. Criteria: ACMG Guidelines, 2015. Collection method: clinical testing. Allele origin: germline. Affected: yes.

Literature cited by the submitters: PubMed 33927379 (cited by Women's Health and Genetics/Laboratory Corporation of America, LabCorp and Natera, Inc.); PubMed 38374194 (cited by Natera, Inc.).

NM_001130987.2(DYSF):c.6236G>A (p.Trp2079Ter)

Gene: DYSF (dysferlin; plus strand). Cytogenetic location: 2p13.2.
Variant type: single nucleotide variant.
Coding change: c.6236G>A on transcript NM_001130987.2 (MANE Select); coding-DNA position 6236, G replaced by A.
Protein change: p.Trp2079Ter; replaces tryptophan 2079 with a stop codon.
Molecular consequence: nonsense.
Genome position (GRCh38, 1-based): chr2:71,682,592, G>A. VCF-style: chr2-71682592-G-A. GRCh37 (hg19) VCF-style: chr2-71909722-G-A.
Other names: c.6122G>A, p.Trp2041Ter (NM_001130455.2); c.6077G>A, p.Trp2026Ter (NM_001130976.2); c.6140G>A, p.Trp2047Ter (NM_001130977.2); c.6182G>A, p.Trp2061Ter (NM_001130978.2); c.6212G>A, p.Trp2071Ter (NM_001130979.2); c.6170G>A, p.Trp2057Ter (NM_001130980.2); c.6233G>A, p.Trp2078Ter (NM_001130981.2); c.6215G>A, p.Trp2072Ter (NM_001130982.2); and 6 more; short protein forms W2026*, W2027*, W2040*, W2041*, W2047*, W2048*, W2057*, W2058*.
Identifiers: ClinVar variation 1180715 (VCV001180715.3), dbSNP rs2152971975, ClinGen allele CA347227156.